The following is an entry in ClinVar:

ClinVar aggregate classification (germline): Benign (1 of 4 stars; one submission).

Allele frequency attached by ClinVar (database versions not stated): 1000 Genomes Project 30x 0.00109; gnomAD 0.00123; 1000 Genomes Project 0.00140.
gnomAD v4.1: 818 of 543,014 alleles (0.15%); highest among the groups gnomAD compares: Middle Eastern, 0.3%; 1 homozygote.

Submission:

CeGaT Center for Human Genetics Tuebingen
Classification: Benign. Last evaluated: 2022-03-01. Review status: criteria provided, single submitter. Criteria: CeGaT Center For Human Genetics Tuebingen Variant Classification Criteria Version 2. Collection method: clinical testing. Allele origin: germline. Affected: yes. Observed: 1 variant allele.
Comment: JAK2: BS1, BS2

NM_004972.4(JAK2):c.3060-8746G>A

Genes: INSL6 (insulin like 6; minus strand), JAK2 (Janus kinase 2; plus strand). Cytogenetic location: 9p24.1.
Variant type: single nucleotide variant.
Coding change: c.3060-8746G>A on transcript NM_004972.4 (MANE Select); 8746 bases into the intron before coding-DNA position 3060, G replaced by A.
Molecular consequence: intron variant.
Genome position (GRCh38, 1-based): chr9:5,114,258, G>A. VCF-style: chr9-5114258-G-A. GRCh37 (hg19) VCF-style: chr9-5114258-G-A.
Other names: c.3060-8746G>A (NM_001322194.2, NM_001322195.2, NM_001322196.2); c.1845-8746G>A (NM_001322198.2, NM_001322199.2); c.2613-8746G>A (NM_001322204.2).
Identifiers: ClinVar variation 2659047 (VCV002659047.24), dbSNP rs117200717, ClinGen allele CA188437394.